The following is an entry in ClinVar:

NM_000435.3(NOTCH3):c.679+10C>G

Gene: NOTCH3 (notch receptor 3; minus strand). Cytogenetic location: 19p13.12.
Variant type: single nucleotide variant.
Coding change: c.679+10C>G on transcript NM_000435.3 (MANE Select); 10 bases into the intron after coding-DNA position 679, C replaced by G.
Molecular consequence: intron variant.
Genome position (GRCh38, 1-based): chr19:15,191,950, G>C on the plus strand (C>G on the coding strand, the complement: NOTCH3 is on the minus strand). VCF-style: chr19-15191950-G-C. GRCh37 (hg19) VCF-style: chr19-15302761-G-C.
Identifiers: ClinVar variation 714215 (VCV000714215.4), dbSNP rs975242904, ClinGen allele CA305777693.

ClinVar aggregate classification (germline): Likely benign. Review status: criteria provided, multiple submitters, no conflicts (2 of 4 stars). 2 submissions from 2 submitters: Likely benign (2). Last evaluated 2026-05-11.

Allele frequency attached by ClinVar (database versions not stated): TOPMed below 0.00001; gnomAD exomes below 0.00001.
gnomAD v4.1: 1 of 1,613,480 alleles (0.000062%); highest among the groups gnomAD compares: Non-Finnish European, 0.000085%; no homozygotes.

Submissions (2):

Women's Health and Genetics/Laboratory Corporation of America, LabCorp
Classification: Likely benign. Last evaluated: 2026-05-11. Review status: criteria provided, single submitter. Criteria: LabCorp Variant Classification Summary - May 2015. Collection method: clinical testing. Allele origin: germline.
Comment: Variant summary: NOTCH3 c.679+10C>G alters a nucleotide located at a position not widely known to affect splicing. Consensus agreement among computation tools predict no significant impact on normal splicing. However, these predictions have yet to be confirmed by functional studies. The variant was absent in 31396 control chromosomes. The available data on variant occurrences in the general population are insufficient to allow any conclusion about variant significance. To our knowledge, no occurrence of c.679+10C>G in individuals affected with NOTCH3-related conditions and no experimental evidence demonstrating its impact on protein function have been reported. ClinVar contains an entry for this variant (Variation ID: 714215). Based on the evidence outlined above, the variant was classified as likely benign.

Labcorp Genetics (formerly Invitae), Labcorp
Classification: Likely benign. Last evaluated: 2017-11-01. Review status: criteria provided, single submitter. Criteria: Invitae Variant Classification Sherloc (09022015). Collection method: clinical testing. Allele origin: germline.